The following is an entry in ClinVar:

ClinVar aggregate classification (germline): Uncertain significance (1 of 4 stars; one submission).

Submission:

GeneDx
Classification: Uncertain significance. Last evaluated: 2019-07-12. Review status: criteria provided, single submitter. Criteria: GeneDx Variant Classification Process June 2021. Collection method: clinical testing. Allele origin: germline. Affected: yes.
Comment: Not observed in large population cohorts (Lek et al., 2016); In silico analysis, which includes protein predictors and evolutionary conservation, supports a deleterious effect; Has not been previously published as pathogenic or benign to our knowledge

NM_016120.4(RLIM):c.1000C>T (p.Arg334Trp)

Gene: RLIM (ring finger protein, LIM domain interacting; minus strand). Cytogenetic location: Xq13.2.
Variant type: single nucleotide variant.
Coding change: c.1000C>T on transcript NM_016120.4 (MANE Select); coding-DNA position 1000, C replaced by T.
Protein change: p.Arg334Trp; replaces arginine 334 with tryptophan.
Molecular consequence: missense variant.
Genome position (GRCh38, 1-based): chrX:74,592,315, G>A on the plus strand (C>T on the coding strand, the complement: RLIM is on the minus strand). VCF-style: chrX-74592315-G-A. GRCh37 (hg19) VCF-style: chrX-73812150-G-A.
Other names: c.1000C>T, p.Arg334Trp (NM_183353.3); short protein forms R334W.
Identifiers: ClinVar variation 1307033 (VCV001307033.2), dbSNP rs2147372344, ClinGen allele CA413661134.